The following is an entry in ClinVar:

NM_004260.4(RECQL4):c.3526G>C (p.Val1176Leu)

Gene: RECQL4 (RecQ like helicase 4; minus strand). Cytogenetic location: 8q24.3.
Variant type: single nucleotide variant.
Coding change: c.3526G>C on transcript NM_004260.4 (MANE Select); coding-DNA position 3526, G replaced by C.
Protein change: p.Val1176Leu; replaces valine 1176 with leucine.
Molecular consequence: missense variant.
Genome position (GRCh38, 1-based): chr8:144,511,532, C>G on the plus strand (G>C on the coding strand, the complement: RECQL4 is on the minus strand). VCF-style: chr8-144511532-C-G. GRCh37 (hg19) VCF-style: chr8-145736915-C-G.
Other names: short protein forms V1176L.
Identifiers: ClinVar variation 649008 (VCV000649008.5), dbSNP rs751477241, ClinGen allele CA4947662.

ClinVar aggregate classification (germline): Uncertain significance (1 of 4 stars; one submission).

Conditions:
Baller-Gerold syndrome (BGS). Also called: CRANIOSYNOSTOSIS WITH RADIAL DEFECTS. Identifiers: Orphanet 1225, MedGen C0265308, MONDO:0009039, OMIM 218600.

Allele frequency attached by ClinVar (database versions not stated): gnomAD exomes below 0.00001; ExAC 0.00001; gnomAD 0.00001.
gnomAD v4.1: 2 of 1,612,402 alleles (0.00012%); highest among the groups gnomAD compares: East Asian, 0.0022%; no homozygotes.

Submission:

Labcorp Genetics (formerly Invitae), Labcorp
Classification: Uncertain significance for Baller-Gerold syndrome. Last evaluated: 2022-03-08. Review status: criteria provided, single submitter. Criteria: Invitae Variant Classification Sherloc (09022015). Collection method: clinical testing. Allele origin: germline.
Comment: In summary, the available evidence is currently insufficient to determine the role of this variant in disease. Therefore, it has been classified as a Variant of Uncertain Significance. ClinVar contains an entry for this variant (Variation ID: 649008). This variant has not been reported in the literature in individuals affected with RECQL4-related conditions. This variant is present in population databases (rs751477241, gnomAD 0.007%). This sequence change replaces valine, which is neutral and non-polar, with leucine, which is neutral and non-polar, at codon 1176 of the RECQL4 protein (p.Val1176Leu).